The following is an entry in ClinVar:

ClinVar aggregate classification (germline): Conflicting classifications of pathogenicity. Review status: criteria provided, conflicting classifications (1 of 4 stars). 6 submissions from 6 submitters: Uncertain significance (5); Likely benign (1). Last evaluated 2026-08-19.

Conditions:
Hereditary cancer-predisposing syndrome. Also called: Hereditary Cancer Syndrome; Hereditary neoplastic syndrome; Neoplastic Syndromes, Hereditary; Tumor predisposition. Identifiers: Orphanet 140162, MedGen C0027672, MeSH D009386, MONDO:0015356.
Hereditary breast ovarian cancer syndrome. Also called: Hereditary breast and/or ovarian cancer syndrome; Hereditary breast and ovarian cancer syndrome (HBOC); BRCA1- and BRCA2-Associated Hereditary Breast and Ovarian Cancer; Hereditary breast and ovarian cancer; Breast and ovarian cancer; Hereditary breast and ovarian cancer syndrome. Identifiers: Orphanet 145, MedGen C0677776, MeSH D061325, MONDO:0003582. Disease mechanism: loss of function.
Breast-ovarian cancer, familial, susceptibility to, 2 (BROVCA2). Also called: BRCA2 Hereditary Breast and Ovarian Cancer. Identifiers: Orphanet 145, MedGen C2675520, MONDO:0012933, OMIM 612555. Disease mechanism: loss of function.

Allele frequency attached by ClinVar (database versions not stated): gnomAD exomes below 0.00001; gnomAD 0.00003; TOPMed 0.00001.
gnomAD v4.1: 1 of 1,613,894 alleles (0.000062%); highest among the groups gnomAD compares: Non-Finnish European, 0.000085%; no homozygotes.

Submissions (6):

Myriad Genetics, Inc.
Classification: Likely benign for Breast-ovarian cancer, familial, susceptibility to, 2. Last evaluated: 2026-08-19. Review status: criteria provided, single submitter. Criteria: Myriad Autosomal Dominant, Autosomal Recessive and X-Linked Classification Criteria (2023). Collection method: clinical testing. Allele origin: unknown.
Comment: This variant is considered likely benign. This variant is strongly associated with less severe personal and family histories of cancer, typical for individuals without pathogenic variants in this gene [PMID: 25085752].

Dasa
Classification: Uncertain significance for Breast-ovarian cancer, familial, susceptibility to, 2. Last evaluated: 2025-12-26. Review status: criteria provided, single submitter. Criteria: DASA Assertion Criteria. Collection method: clinical testing. Allele origin: germline.
Comment: NM_000059.4(BRCA2):c.9078G>C (p.Gln3026His) is a missense variant that results in the substitution of glutamine with histidine. This variant is rare in population databases. Computational prediction algorithms are consistent with a benign effect. The currently available literature and clinical evidence are not sufficient to establish a definitive association between this variant and the reported condition. Therefore, this variant is classified as a variant of uncertain significance.

Color Diagnostics, LLC DBA Color Health
Classification: Uncertain significance for Hereditary cancer-predisposing syndrome. Last evaluated: 2025-08-04. Review status: criteria provided, single submitter. Criteria: ACMG Guidelines, 2015. Collection method: clinical testing. Allele origin: germline.
Comment: This missense variant replaces glutamine with histidine at codon 3026 of the BRCA2 protein. Computational prediction suggests that this variant may not impact protein structure and function. A functional study has reported that this variant does not impact BRCA2 in a haploid cell proliferation assay (PMID: 39779857). This variant has been reported in one individual affected with breast cancer (PMID: 35264596). This variant has been identified in 1/31394 chromosomes in the general population by the Genome Aggregation Database (gnomAD). The available evidence is insufficient to determine the role of this variant in disease conclusively. Therefore, this variant is classified as a Variant of Uncertain Significance.

Labcorp Genetics (formerly Invitae), Labcorp
Classification: Uncertain significance for Hereditary breast ovarian cancer syndrome. Last evaluated: 2025-07-30. Review status: criteria provided, single submitter. Criteria: Invitae Variant Classification Sherloc (09022015). Collection method: clinical testing. Allele origin: germline.
Comment: This sequence change replaces glutamine, which is neutral and polar, with histidine, which is basic and polar, at codon 3026 of the BRCA2 protein (p.Gln3026His). This variant is present in population databases (no rsID available, gnomAD 0.007%). This missense change has been observed in individual(s) with breast cancer (PMID: 35264596). ClinVar contains an entry for this variant (Variation ID: 584864). Invitae Evidence Modeling of protein sequence and biophysical properties (such as structural, functional, and spatial information, amino acid conservation, physicochemical variation, residue mobility, and thermodynamic stability) indicates that this missense variant is not expected to disrupt BRCA2 protein function with a negative predictive value of 95%. In summary, the available evidence is currently insufficient to determine the role of this variant in disease. Therefore, it has been classified as a Variant of Uncertain Significance.

Quest Diagnostics Nichols Institute San Juan Capistrano
Classification: Uncertain significance. Last evaluated: 2021-01-14. Review status: criteria provided, single submitter. Criteria: Quest Diagnostics criteria. Collection method: clinical testing. Allele origin: unknown.

Mendelics
Classification: Uncertain significance for Breast-ovarian cancer, familial, susceptibility to, 2. Last evaluated: 2019-05-28. Review status: criteria provided, single submitter. Criteria: Mendelics Assertion Criteria 2017. Collection method: clinical testing. Allele origin: unknown.

Literature cited by the submitters: PubMed 25085752 (cited by Myriad Genetics, Inc.); PubMed 35264596 (cited by Color Diagnostics, LLC DBA Color Health and Labcorp Genetics (formerly Invitae), Labcorp); PubMed 39779857 (cited by Color Diagnostics, LLC DBA Color Health).

NM_000059.4(BRCA2):c.9078G>C (p.Gln3026His)

Gene: BRCA2 (BRCA2 DNA repair associated; plus strand). Cytogenetic location: 13q13.1.
Variant type: single nucleotide variant.
Coding change: c.9078G>C on transcript NM_000059.4 (MANE Select); coding-DNA position 9078, G replaced by C.
Protein change: p.Gln3026His; replaces glutamine 3026 with histidine.
Molecular consequence: missense variant.
Genome position (GRCh38, 1-based): chr13:32,379,874, G>C. VCF-style: chr13-32379874-G-C. GRCh37 (hg19) VCF-style: chr13-32954011-G-C.
Other names: short protein forms Q3026H.
Identifiers: ClinVar variation 584864 (VCV000584864.21), dbSNP rs1359207910, ClinGen allele CA387757600.